The following is an entry in ClinVar:

ClinVar aggregate classification (germline): Uncertain significance (1 of 4 stars; one submission).

Submission:

GeneDx
Classification: Uncertain significance. Last evaluated: 2023-02-16. Review status: criteria provided, single submitter. Criteria: GeneDx Variant Classification Process June 2021. Collection method: clinical testing. Allele origin: germline. Affected: yes.
Comment: Not observed at significant frequency in large population cohorts (gnomAD); In silico analysis supports that this missense variant has a deleterious effect on protein structure/function; Has not been previously published as pathogenic or benign to our knowledge

NM_001374828.1(ARID1B):c.6550G>T (p.Ala2184Ser)

Gene: ARID1B (AT-rich interaction domain 1B; plus strand). Cytogenetic location: 6q25.3.
Variant type: single nucleotide variant.
Coding change: c.6550G>T on transcript NM_001374828.1 (MANE Select); coding-DNA position 6550, G replaced by T.
Protein change: p.Ala2184Ser; replaces alanine 2184 with serine.
Molecular consequence: missense variant.
Genome position (GRCh38, 1-based): chr6:157,207,322, G>T. VCF-style: chr6-157207322-G-T. GRCh37 (hg19) VCF-style: chr6-157528456-G-T.
Other names: c.6301G>T, p.Ala2101Ser (NM_001346813.1); c.4051G>T, p.Ala1351Ser (NM_001363725.2); c.6430G>T, p.Ala2144Ser (NM_001371656.1, NM_001374820.1); c.6391G>T, p.Ala2131Ser (NM_017519.3); c.6181G>T, p.Ala2061Ser (NM_020732.3); c.5968G>T, p.Ala1990Ser (NM_175863.2); short protein forms A1351S, A1990S, A2061S, A2101S, A2131S, A2144S, A2184S.
Identifiers: ClinVar variation 2576765 (VCV002576765.1), dbSNP rs2128397545, ClinGen allele CA366248530.